The following is an entry in ClinVar:

ClinVar aggregate classification (germline): Pathogenic (1 of 4 stars; one submission).

Conditions:
Inborn genetic diseases. Identifiers: MedGen C0950123, MeSH D030342.

Submission:

Ambry Genetics
Classification: Pathogenic for Inborn genetic diseases. Last evaluated: 2021-09-15. Review status: criteria provided, single submitter. Criteria: Ambry Variant Classification Scheme 2023. Collection method: clinical testing. Allele origin: germline.
Comment: The c.569T>G (p.L190*) alteration, located in exon 4 (coding exon 1) of the ZMYM2 gene, consists of a T to G substitution at nucleotide position 569. This changes the amino acid from a leucine (L) to a stop codon at amino acid position 190. This alteration is expected to result in loss of function by premature protein truncation or nonsense-mediated mRNA decay. This variant was not reported in population-based cohorts in the Genome Aggregation Database (gnomAD). Based on the available evidence, this alteration is classified as pathogenic.

NM_197968.4(ZMYM2):c.569T>G (p.Leu190Ter)

Gene: ZMYM2 (zinc finger MYM-type containing 2; plus strand). Cytogenetic location: 13q12.11.
Variant type: single nucleotide variant.
Coding change: c.569T>G on transcript NM_197968.4 (MANE Select); coding-DNA position 569, T replaced by G.
Protein change: p.Leu190Ter; replaces leucine 190 with a stop codon.
Molecular consequence: nonsense. On other transcripts: non-coding transcript variant (1), intron variant (2).
Genome position (GRCh38, 1-based): chr13:19,993,641, T>G. VCF-style: chr13-19993641-T-G. GRCh37 (hg19) VCF-style: chr13-20567781-T-G.
Other names: c.569T>G, p.Leu190Ter (NM_001190964.4, NM_001190965.4, NM_001353157.2 and 5 more transcripts); c.492+77T>G (NM_001353163.2); c.558+77T>G (NM_001353161.3); short protein forms L190*.
Identifiers: ClinVar variation 2352145 (VCV002352145.2), dbSNP rs2501904395, ClinGen allele CA387666933.